The following is an entry in ClinVar:

NM_004006.3(DMD):c.6155T>C (p.Ile2052Thr)

Gene: DMD (dystrophin; minus strand). Cytogenetic location: Xp21.1.
Variant type: single nucleotide variant.
Coding change: c.6155T>C on transcript NM_004006.3 (MANE Select); coding-DNA position 6155, T replaced by C.
Protein change: p.Ile2052Thr; replaces isoleucine 2052 with threonine.
Molecular consequence: missense variant.
Genome position (GRCh38, 1-based): chrX:32,287,664, A>G on the plus strand (T>C on the coding strand, the complement: DMD is on the minus strand). VCF-style: chrX-32287664-A-G. GRCh37 (hg19) VCF-style: chrX-32305781-A-G.
Other names: c.6131T>C, p.Ile2044Thr (NM_000109.4); c.6143T>C, p.Ile2048Thr (NM_004009.3); c.5786T>C, p.Ile1929Thr (NM_004010.3); c.2132T>C, p.Ile711Thr (NM_004011.4); c.2123T>C, p.Ile708Thr (NM_004012.4); short protein forms I2052T, I711T, I2048T, I1929T, I2044T, I708T.
Identifiers: ClinVar variation 1962897 (VCV001962897.3), dbSNP rs753426129, ClinGen allele CA412666423.

ClinVar aggregate classification (germline): Uncertain significance (1 of 4 stars; one submission).

Conditions:
Duchenne muscular dystrophy (DMD). Also called: MUSCULAR DYSTROPHY, PSEUDOHYPERTROPHIC PROGRESSIVE, DUCHENNE TYPE; Duchenne Muscular Dystrophy (DMD). Identifiers: Orphanet 98896, MedGen C0013264, MONDO:0010679, OMIM 310200.

gnomAD v4.1: 3 of 1,209,338 alleles (0.00025%); highest among the groups gnomAD compares: Non-Finnish European, 0.00034%; no homozygotes.

Submission:

Labcorp Genetics (formerly Invitae), Labcorp
Classification: Uncertain significance for Duchenne muscular dystrophy. Last evaluated: 2025-02-23. Review status: criteria provided, single submitter. Criteria: Invitae Variant Classification Sherloc (09022015). Collection method: clinical testing. Allele origin: germline.
Comment: This sequence change replaces isoleucine, which is neutral and non-polar, with threonine, which is neutral and polar, at codon 2052 of the DMD protein (p.Ile2052Thr). This variant is present in population databases (no rsID available, gnomAD 0.001%). This variant has not been reported in the literature in individuals affected with DMD-related conditions. ClinVar contains an entry for this variant (Variation ID: 1962897). Invitae Evidence Modeling of protein sequence and biophysical properties (such as structural, functional, and spatial information, amino acid conservation, physicochemical variation, residue mobility, and thermodynamic stability) indicates that this missense variant is not expected to disrupt DMD protein function with a negative predictive value of 95%. In summary, the available evidence is currently insufficient to determine the role of this variant in disease. Therefore, it has been classified as a Variant of Uncertain Significance.